The following is an entry in ClinVar:

NM_006648.4(WNK2):c.218G>T (p.Arg73Leu)

Gene: WNK2 (WNK lysine deficient protein kinase 2; plus strand). Cytogenetic location: 9q22.31.
Variant type: single nucleotide variant.
Coding change: c.218G>T on transcript NM_006648.4 (MANE Select); coding-DNA position 218, G replaced by T.
Protein change: p.Arg73Leu; replaces arginine 73 with leucine.
Molecular consequence: missense variant.
Genome position (GRCh38, 1-based): chr9:93,185,147, G>T. VCF-style: chr9-93185147-G-T. GRCh37 (hg19) VCF-style: chr9-95947429-G-T.
Other names: c.218G>T, p.Arg73Leu (NM_001282394.3); short protein forms R73L.
Identifiers: ClinVar variation 3981882 (VCV003981882.1).

ClinVar aggregate classification (germline): Uncertain significance (1 of 4 stars; one submission).

Submission:

Ambry Genetics
Classification: Uncertain significance. Last evaluated: 2025-04-14. Review status: criteria provided, single submitter. Criteria: Ambry Variant Classification Scheme 2023. Collection method: clinical testing. Allele origin: germline.
Comment: The p.R73L variant (also known as c.218G>T), located in coding exon 1 of the WNK2 gene, results from a G to T substitution at nucleotide position 218. The arginine at codon 73 is replaced by leucine, an amino acid with dissimilar properties. This amino acid position is conserved. In addition, this alteration is predicted to be tolerated by in silico analysis. Based on the available evidence, the clinical significance of this variant remains unclear.